The following is an entry in ClinVar:

ClinVar aggregate classification (germline): Uncertain significance (1 of 4 stars; one submission).

Conditions:
Congenital myasthenic syndrome 11. Also called: MYASTHENIC SYNDROME, CONGENITAL, Ie; Myasthenic syndrome, congenital, 11, associated with acetylcholine receptor deficiency. Identifiers: Orphanet 590, MedGen C4225367, MONDO:0014588, OMIM 616326.
Fetal akinesia deformation sequence 1 (FADS1). Also called: Fetal akinesia sequence; Pena-Shokeir syndrome type I. Identifiers: Orphanet 994, MedGen C1276035, MONDO:0100101, OMIM 208150, HP:0001989.

Allele frequency attached by ClinVar (database versions not stated): gnomAD exomes below 0.00001; TOPMed below 0.00001.
gnomAD v4.1: 1 of 1,609,828 alleles (0.000062%); highest among the groups gnomAD compares: Non-Finnish European, 0.000085%; no homozygotes.

Submission:

Labcorp Genetics (formerly Invitae), Labcorp
Classification: Uncertain significance for Congenital myasthenic syndrome 11; Fetal akinesia deformation sequence 1. Last evaluated: 2021-08-30. Review status: criteria provided, single submitter. Criteria: Invitae Variant Classification Sherloc (09022015). Collection method: clinical testing. Allele origin: germline.
Comment: This sequence change replaces glycine with arginine at codon 284 of the RAPSN protein (p.Gly284Arg). The glycine residue is highly conserved and there is a moderate physicochemical difference between glycine and arginine. This variant is not present in population databases (ExAC no frequency). This variant has not been reported in the literature in individuals affected with RAPSN-related conditions. Algorithms developed to predict the effect of missense changes on protein structure and function are either unavailable or do not agree on the potential impact of this missense change (SIFT: "Deleterious"; PolyPhen-2: "Probably Damaging"; Align-GVGD: "Class C0"). In summary, the available evidence is currently insufficient to determine the role of this variant in disease. Therefore, it has been classified as a Variant of Uncertain Significance.

NM_005055.5(RAPSN):c.850G>A (p.Gly284Arg)

Gene: RAPSN (receptor associated protein of the synapse; minus strand). Cytogenetic location: 11p11.2.
Variant type: single nucleotide variant.
Coding change: c.850G>A on transcript NM_005055.5 (MANE Select); coding-DNA position 850, G replaced by A.
Protein change: p.Gly284Arg; replaces glycine 284 with arginine.
Molecular consequence: missense variant. On other transcripts: intron variant (1).
Genome position (GRCh38, 1-based): chr11:47,441,673, C>T on the plus strand (G>A on the coding strand, the complement: RAPSN is on the minus strand). VCF-style: chr11-47441673-C-T. GRCh37 (hg19) VCF-style: chr11-47463225-C-T.
Other names: c.789+150G>A (NM_032645.5); short protein forms G284R.
Identifiers: ClinVar variation 1016297 (VCV001016297.6), dbSNP rs1294627986, ClinGen allele CA380329296.